The following is an entry in ClinVar:

ClinVar aggregate classification (germline): Conflicting classifications of pathogenicity. Review status: criteria provided, conflicting classifications (1 of 4 stars). 4 submissions from 4 submitters: Uncertain significance (1); Likely benign (3). Last evaluated 2024-10-29.

Conditions:
Inborn genetic diseases. Identifiers: MedGen C0950123, MeSH D030342.

Allele frequency attached by ClinVar (database versions not stated): gnomAD exomes 0.00001 and 0.00004; ExAC 0.00002; gnomAD 0.00002; TOPMed 0.00006.

Submissions (4):

Labcorp Genetics (formerly Invitae), Labcorp
Classification: Likely benign. Last evaluated: 2024-10-29. Review status: criteria provided, single submitter. Criteria: Invitae Variant Classification Sherloc (09022015). Collection method: clinical testing. Allele origin: germline.

Blueprint Genetics
Classification: Uncertain significance. Last evaluated: 2024-09-23. Review status: criteria provided, single submitter. Criteria: ACMG Guidelines, 2015. Collection method: clinical testing. Allele origin: germline.

CeGaT Center for Human Genetics Tuebingen
Classification: Likely benign. Last evaluated: 2022-04-01. Review status: criteria provided, single submitter. Criteria: CeGaT Center For Human Genetics Tuebingen Variant Classification Criteria Version 2. Collection method: clinical testing. Allele origin: germline. Affected: yes. Observed: 2 variant alleles.
Comment: SON: BP1, BS2

Ambry Genetics
Classification: Likely benign for Inborn genetic diseases. Last evaluated: 2022-02-16. Review status: criteria provided, single submitter. Criteria: Ambry Variant Classification Scheme 2023. Collection method: clinical testing. Allele origin: germline.

NM_138927.4(SON):c.3355A>G (p.Thr1119Ala)

Gene: SON (SON DNA and RNA binding protein; plus strand). Cytogenetic location: 21q22.11.
Variant type: single nucleotide variant.
Coding change: c.3355A>G on transcript NM_138927.4 (MANE Select); coding-DNA position 3355, A replaced by G.
Protein change: p.Thr1119Ala; replaces threonine 1119 with alanine.
Molecular consequence: missense variant. On other transcripts: non-coding transcript variant (1), intron variant (1).
Genome position (GRCh38, 1-based): chr21:33,552,586, A>G. VCF-style: chr21-33552586-A-G. GRCh37 (hg19) VCF-style: chr21-34924892-A-G.
Other names: c.3355A>G, p.Thr1119Ala (NM_001291411.2, NM_032195.3); c.245-4570A>G (NM_001291412.3); c.3355A>G (NM_138927.1); short protein forms T1119A.
Identifiers: ClinVar variation 1335470 (VCV001335470.44), dbSNP rs751576215, ClinGen allele CA10009271.